The following is an entry in ClinVar:

ClinVar aggregate classification (germline): Uncertain significance (1 of 4 stars; one submission).

Conditions:
Neuropathy, hereditary sensory and autonomic, type 2A (HSAN2A). Also called: MORVAN DISEASE; NEUROPATHY, CONGENITAL SENSORY; NEUROPATHY, HEREDITARY SENSORY RADICULAR, AUTOSOMAL RECESSIVE; NEUROPATHY, HEREDITARY SENSORY, TYPE IIA; NEUROPATHY, PROGRESSIVE SENSORY, OF CHILDREN; ACROOSTEOLYSIS, GIACCAI TYPE. Identifiers: Orphanet 970, MedGen C2752089, MONDO:0024309, OMIM 201300.
Generalized epilepsy with febrile seizures plus, type 7 (GEFSP7). Also called: GEFS+, TYPE 7. Identifiers: Orphanet 36387, MedGen C2751778, MONDO:0013470, OMIM 613863.

Submission:

Labcorp Genetics (formerly Invitae), Labcorp
Classification: Uncertain significance for Neuropathy, hereditary sensory and autonomic, type 2A; Generalized epilepsy with febrile seizures plus, type 7. Last evaluated: 2024-05-18. Review status: criteria provided, single submitter. Criteria: Invitae Variant Classification Sherloc (09022015). Collection method: clinical testing. Allele origin: germline.
Comment: This sequence change replaces lysine, which is basic and polar, with threonine, which is neutral and polar, at codon 836 of the SCN9A protein (p.Lys836Thr). This variant is present in population databases (rs780375747, gnomAD 0.0009%). This variant has not been reported in the literature in individuals affected with SCN9A-related conditions. Advanced modeling of protein sequence and biophysical properties (such as structural, functional, and spatial information, amino acid conservation, physicochemical variation, residue mobility, and thermodynamic stability) has been performed at Invitae for this missense variant, however the output from this modeling did not meet the statistical confidence thresholds required to predict the impact of this variant on SCN9A protein function. In summary, the available evidence is currently insufficient to determine the role of this variant in disease. Therefore, it has been classified as a Variant of Uncertain Significance.

NM_001365536.1(SCN9A):c.2540A>C (p.Lys847Thr)

Genes: SCN9A (sodium voltage-gated channel alpha subunit 9; minus strand), SCN1A-AS1 (SCN1A and SCN9A antisense RNA 1; plus strand). Cytogenetic location: 2q24.3.
Variant type: single nucleotide variant.
Coding change: c.2540A>C on transcript NM_001365536.1 (MANE Select); coding-DNA position 2540, A replaced by C.
Protein change: p.Lys847Thr; replaces lysine 847 with threonine.
Molecular consequence: missense variant.
Genome position (GRCh38, 1-based): chr2:166,277,317, T>G on the plus strand (A>C on the coding strand, the complement: SCN9A is on the minus strand). VCF-style: chr2-166277317-T-G. GRCh37 (hg19) VCF-style: chr2-167133827-T-G.
Other names: c.2507A>C, p.Lys836Thr (NM_002977.4); short protein forms K836T, K847T.
Identifiers: ClinVar variation 3756523 (VCV003756523.2).